The following is an entry in ClinVar:

ClinVar aggregate classification (germline): Conflicting classifications of pathogenicity. Review status: criteria provided, conflicting classifications (1 of 4 stars). 2 submissions from 2 submitters: Likely pathogenic (1); Uncertain significance (1). Last evaluated 2025-12-02.

Conditions:
Pyridoxine-dependent epilepsy (EPEO4). Also called: Pyridoxine-Dependent Seizures; PYRIDOXINE DEPENDENCY WITH SEIZURES; EPILEPSY, EARLY-ONSET, 4, VITAMIN B6-DEPENDENT; Pyridoxine-Dependent Epilepsy - ALDH7A1. Identifiers: Orphanet 3006, MedGen C1849508, MONDO:0009945, OMIM 266100. Disease mechanism: loss of function.

Allele frequency attached by ClinVar (database versions not stated): gnomAD exomes below 0.00001.
gnomAD v4.1: 3 of 1,613,990 alleles (0.00019%); highest among the groups gnomAD compares: Admixed American, 0.0017%; no homozygotes.

Submissions (2):

3billion
Classification: Uncertain significance for Pyridoxine-dependent epilepsy. Last evaluated: 2025-12-02. Review status: criteria provided, single submitter. Criteria: ACMG Guidelines, 2015. Collection method: clinical testing. Allele origin: germline. Affected: yes.
Comment: The variant is observed at an extremely low frequency in the gnomAD v4.1.0 dataset (total allele frequency: <0.001%). Predicted Consequence/Location: Missense variant In silico tool predictions suggest damaging effect of the variant on gene or gene product [REVEL: 0.92 (>=0.6, sensitivity 0.68 and specificity 0.92); 3Cnet: 0.98 (> 0.75, sensitivity 0.96 and precision 0.92)]. The same nucleotide change resulting in the same amino acid change has been previously reported to be associated with ALDH7A1-related disorder (ClinVar ID: VCV002693734 /PMID: 20554659). However, the evidence of pathogenicity is insufficient at this time. Therefore, this variant is classified as VUS according to the recommendation of ACMG/AMP guideline.

Labcorp Genetics (formerly Invitae), Labcorp
Classification: Likely pathogenic for Pyridoxine-dependent epilepsy. Last evaluated: 2023-04-04. Review status: criteria provided, single submitter. Criteria: Invitae Variant Classification Sherloc (09022015). Collection method: clinical testing. Allele origin: germline.
Comment: This missense change has been observed in individual(s) with pyridoxine dependent epilepsy (PMID: 20554659). In summary, the currently available evidence indicates that the variant is pathogenic, but additional data are needed to prove that conclusively. Therefore, this variant has been classified as Likely Pathogenic. Advanced modeling of protein sequence and biophysical properties (such as structural, functional, and spatial information, amino acid conservation, physicochemical variation, residue mobility, and thermodynamic stability) performed at Invitae indicates that this missense variant is expected to disrupt ALDH7A1 protein function. This variant is present in population databases (no rsID available, gnomAD no frequency). This sequence change replaces glutamine, which is neutral and polar, with arginine, which is basic and polar, at codon 328 of the ALDH7A1 protein (p.Gln328Arg).

Literature cited by the submitters: PubMed 20554659 (cited by 3billion and Labcorp Genetics (formerly Invitae), Labcorp).

NM_001182.5(ALDH7A1):c.983A>G (p.Gln328Arg)

Gene: ALDH7A1 (aldehyde dehydrogenase 7 family member A1; minus strand). Cytogenetic location: 5q23.2.
Variant type: single nucleotide variant.
Coding change: c.983A>G on transcript NM_001182.5 (MANE Select); coding-DNA position 983, A replaced by G.
Protein change: p.Gln328Arg; replaces glutamine 328 with arginine.
Molecular consequence: missense variant.
Genome position (GRCh38, 1-based): chr5:126,559,265, T>C on the plus strand (A>G on the coding strand, the complement: ALDH7A1 is on the minus strand). VCF-style: chr5-126559265-T-C. GRCh37 (hg19) VCF-style: chr5-125894957-T-C.
Other names: c.899A>G, p.Gln300Arg (NM_001201377.2); c.983A>G, p.Gln328Arg (NM_001202404.2); short protein forms Q300R, Q328R.
Identifiers: ClinVar variation 2693734 (VCV002693734.4), dbSNP rs1168941346, ClinGen allele CA360726645.
Genomic context (GRCh38, chr5:126,559,265, plus strand): 5'-GAGCAAGACAATCGGGCCTATGCAGATATACTCACCAGTCGCCTCGCAGTGGTACACCTC[T>C]GGCCAGCTGTTCCCACAGCAGCGAAGAGAGCTGATGGAACAACTAAGCTGAGGTCTGCAT-3'
Protein context (NP_001173.2, residues 318-338): ALFAAVGTAG[Gln328Arg]RCTTARRLFI